The following is an entry in ClinVar:

NM_145728.3(SYNM):c.609G>C (p.Glu203Asp)

Genes: SYNM (synemin; plus strand), SYNM-AS1 (SYNM antisense RNA 1; minus strand). Cytogenetic location: 15q26.3.
Variant type: single nucleotide variant.
Coding change: c.609G>C on transcript NM_145728.3 (MANE Select); coding-DNA position 609, G replaced by C.
Protein change: p.Glu203Asp; replaces glutamic acid 203 with aspartic acid.
Molecular consequence: missense variant.
Genome position (GRCh38, 1-based): chr15:99,105,808, G>C. VCF-style: chr15-99105808-G-C. GRCh37 (hg19) VCF-style: chr15-99646014-G-C.
Other names: c.609G>C, p.Glu203Asp (NM_015286.6); short protein forms E203D.
Identifiers: ClinVar variation 711160 (VCV000711160.5), dbSNP rs371419668, ClinGen allele CA7753299.
Genomic context (GRCh38, chr15:99,105,808, plus strand): 5'-GCACGACAGCTACGCACTGCTGGTGGCCGAGTCGTGGCGGGAGACGGTGCAGCTGTACGA[G>C]GACGAGGTGCGCGAGCTGGAGGAGGCGCTGCGGCGCGGCCAGGAGAGCAGACTCCAGGCG-3'
Protein context (NP_663780.2, residues 193-213): ESWRETVQLY[Glu203Asp]DEVRELEEAL

ClinVar aggregate classification (germline): Benign. Review status: criteria provided, single submitter (1 of 4 stars). 2 submissions from 2 submitters: Benign (1). 1 of the submissions does not count toward it. Last evaluated 2018-03-05.

Conditions:
SYNM-related disorder. Also called: SYNM-related condition.

Allele frequency attached by ClinVar (database versions not stated): gnomAD exomes 0.00038 and 0.00077; ExAC 0.00095; ESP Exome Variant Server 0.00188; gnomAD 0.00413 and 0.00446; TOPMed 0.00508; 1000 Genomes Project 30x 0.00578; 1000 Genomes Project 0.00579.
gnomAD v4.1: 1,188 of 1,542,424 alleles (0.077%); highest among the groups gnomAD compares: African/African-American, 1.5%; 13 homozygotes.

Submissions (2):

Labcorp Genetics (formerly Invitae), Labcorp
Classification: Benign. Last evaluated: 2018-03-05. Review status: criteria provided, single submitter. Criteria: Invitae Variant Classification Sherloc (09022015). Collection method: clinical testing. Allele origin: germline.

PreventionGenetics, part of Exact Sciences
Classification: Benign for SYNM-related condition. Last evaluated: 2019-11-26. Review status: no assertion criteria provided. Collection method: clinical testing. Allele origin: germline. Not counted in ClinVar's aggregate classification.
Comment: This variant is classified as benign based on ACMG/AMP sequence variant interpretation guidelines (Richards et al. 2015 PMID: 25741868, with internal and published modifications).